The following is an entry in ClinVar:

NM_001122764.3(PPOX):c.494G>A (p.Ser165Asn)

Gene: PPOX (protoporphyrinogen oxidase; plus strand). Cytogenetic location: 1q23.3.
Variant type: single nucleotide variant.
Coding change: c.494G>A on transcript NM_001122764.3 (MANE Select); coding-DNA position 494, G replaced by A.
Protein change: p.Ser165Asn; replaces serine 165 with asparagine.
Molecular consequence: missense variant.
Genome position (GRCh38, 1-based): chr1:161,168,454, G>A. VCF-style: chr1-161168454-G-A. GRCh37 (hg19) VCF-style: chr1-161138244-G-A.
Other names: c.494G>A, p.Ser165Asn (NM_000309.5, NM_001365398.1, NM_001365399.1); c.395G>A, p.Ser132Asn (NM_001350128.2); c.86G>A, p.Ser29Asn (NM_001350129.2, NM_001365400.1); c.8G>A, p.Ser3Asn (NM_001350130.2, NM_001350131.2, NM_001365401.1); short protein forms S132N, S165N, S29N, S3N.
Identifiers: ClinVar variation 1002039 (VCV001002039.8), dbSNP rs762605289, ClinGen allele CA1207168.
Genomic context (GRCh38, chr1:161,168,454, plus strand): 5'-TTATTTTTTCGCTCCTTAGTCCTAGTCTCACCCTTAAGGTGGCGTCTCTAGCCATGGACA[G>A]TCTCTGCCGTGGAGTGTTTGCAGGCAACAGCCGTGAGCTCAGCATCAGGTCCTGCTTTCC-3'
Protein context (NP_001116236.1, residues 155-175): GPEVASLAMD[Ser165Asn]LCRGVFAGNS

ClinVar aggregate classification (germline): Uncertain significance (1 of 4 stars; one submission).

Allele frequency attached by ClinVar (database versions not stated): gnomAD exomes below 0.00001; ExAC 0.00001; gnomAD 0.00001; TOPMed 0.00001.
gnomAD v4.1: 10 of 1,614,064 alleles (0.00062%); highest among the groups gnomAD compares: Non-Finnish European, 0.00068%; 1 homozygote.

Submission:

Labcorp Genetics (formerly Invitae), Labcorp
Classification: Uncertain significance. Last evaluated: 2020-04-20. Review status: criteria provided, single submitter. Criteria: Invitae Variant Classification Sherloc (09022015). Collection method: clinical testing. Allele origin: germline.
Comment: This variant is present in population databases (rs762605289, ExAC 0.001%). This variant has been observed in individual(s) with clinical symptoms of acute hepatic porphyria (Invitae). Algorithms developed to predict the effect of missense changes on protein structure and function are either unavailable or do not agree on the potential impact of this missense change (SIFT: "Tolerated"; PolyPhen-2: "Possibly Damaging"; Align-GVGD: "Class C0"). In summary, the available evidence is currently insufficient to determine the role of this variant in disease. Therefore, it has been classified as a Variant of Uncertain Significance. This sequence change replaces serine with asparagine at codon 165 of the PPOX protein (p.Ser165Asn). The serine residue is highly conserved and there is a small physicochemical difference between serine and asparagine.